The following is an entry in ClinVar:

ClinVar aggregate classification (germline): Benign/Likely benign. Review status: criteria provided, multiple submitters, no conflicts (2 of 4 stars). 6 submissions from 6 submitters: Benign (1); Likely benign (2). 3 of the submissions do not count toward it. Last evaluated 2026-01-11.

Conditions:
PMM2-related disorder. Also called: PMM2-related condition.
PMM2-congenital disorder of glycosylation. Also called: PHOSPHOMANNOMUTASE 2 DEFICIENCY; CARBOHYDRATE-DEFICIENT GLYCOPROTEIN SYNDROME, TYPE Ia; CDG Ia; PMM2-CDG; Congenital disorder of glycosylation, type Ia; JAEKEN SYNDROME. Identifiers: Orphanet 79318, MedGen C0349653, MONDO:0008907, OMIM 212065.

Allele frequency attached by ClinVar (database versions not stated): ExAC 0.00021; 1000 Genomes Project 0.00060; 1000 Genomes Project 30x 0.00062; TOPMed 0.00064; ESP Exome Variant Server 0.00069; gnomAD 0.00073.
gnomAD v4.1: 202 of 1,596,076 alleles (0.013%); highest among the groups gnomAD compares: African/African-American, 0.22%; no homozygotes.

Submissions (6):

Labcorp Genetics (formerly Invitae), Labcorp
Classification: Benign for PMM2-congenital disorder of glycosylation. Last evaluated: 2026-01-11. Review status: criteria provided, single submitter. Criteria: Invitae Variant Classification Sherloc (09022015). Collection method: clinical testing. Allele origin: germline.

Blueprint Genetics
Classification: Likely benign. Last evaluated: 2023-12-05. Review status: criteria provided, single submitter. Criteria: ACMG Guidelines, 2015. Collection method: clinical testing. Allele origin: germline.

GeneDx
Classification: Likely benign. Last evaluated: 2018-04-26. Review status: criteria provided, single submitter. Criteria: GeneDx Variant Classification Process June 2021. Collection method: clinical testing. Allele origin: germline. Affected: yes.

PreventionGenetics, part of Exact Sciences
Classification: Likely benign for PMM2-related condition. Last evaluated: 2020-04-24. Review status: no assertion criteria provided. Collection method: clinical testing. Allele origin: germline. Not counted in ClinVar's aggregate classification.
Comment: This variant is classified as likely benign based on ACMG/AMP sequence variant interpretation guidelines (Richards et al. 2015 PMID: 25741868, with internal and published modifications).

Clinical Genetics, Academic Medical Center
Classification: Likely benign. Review status: no assertion criteria provided. Collection method: clinical testing. Allele origin: germline. Affected: yes. Study: VKGL Data-share Consensus. Not counted in ClinVar's aggregate classification.

Genome Diagnostics Laboratory, University Medical Center Utrecht
Classification: Likely benign. Review status: no assertion criteria provided. Collection method: clinical testing. Allele origin: germline. Affected: yes. Study: VKGL Data-share Consensus. Not counted in ClinVar's aggregate classification.

NM_000303.3(PMM2):c.640-13C>T

Gene: PMM2 (phosphomannomutase 2; plus strand). Cytogenetic location: 16p13.2.
Variant type: single nucleotide variant.
Coding change: c.640-13C>T on transcript NM_000303.3 (MANE Select); 13 bases into the intron before coding-DNA position 640, C replaced by T.
Molecular consequence: intron variant.
Genome position (GRCh38, 1-based): chr16:8,847,711, C>T. VCF-style: chr16-8847711-C-T. GRCh37 (hg19) VCF-style: chr16-8941568-C-T.
Identifiers: ClinVar variation 509672 (VCV000509672.15), dbSNP rs372181885, ClinGen allele CA7894185.